The following is an entry in ClinVar:

ClinVar aggregate classification (germline): Uncertain significance (1 of 4 stars; one submission).

Conditions:
Epilepsy, familial adult myoclonic, 5 (EPEO5). Also called: CORTICAL MYOCLONIC TREMOR WITH EPILEPSY, FAMILIAL, 5. Identifiers: Orphanet 86814, MedGen C3809374, MONDO:0014167, OMIM 615400.

Submission:

Labcorp Genetics (formerly Invitae), Labcorp
Classification: Uncertain significance for Epilepsy, familial adult myoclonic, 5. Last evaluated: 2022-07-30. Review status: criteria provided, single submitter. Criteria: Invitae Variant Classification Sherloc (09022015). Collection method: clinical testing. Allele origin: germline.
Comment: This sequence change replaces proline, which is neutral and non-polar, with leucine, which is neutral and non-polar, at codon 423 of the CNTN2 protein (p.Pro423Leu). This variant is not present in population databases (gnomAD no frequency). This variant has not been reported in the literature in individuals affected with CNTN2-related conditions. Advanced modeling of protein sequence and biophysical properties (such as structural, functional, and spatial information, amino acid conservation, physicochemical variation, residue mobility, and thermodynamic stability) performed at Invitae indicates that this missense variant is not expected to disrupt CNTN2 protein function. In summary, the available evidence is currently insufficient to determine the role of this variant in disease. Therefore, it has been classified as a Variant of Uncertain Significance.

NM_005076.5(CNTN2):c.1268C>T (p.Pro423Leu)

Gene: CNTN2 (contactin 2; plus strand). Cytogenetic location: 1q32.1.
Variant type: single nucleotide variant.
Coding change: c.1268C>T on transcript NM_005076.5 (MANE Select); coding-DNA position 1268, C replaced by T.
Protein change: p.Pro423Leu; replaces proline 423 with leucine.
Molecular consequence: missense variant. On other transcripts: non-coding transcript variant (1).
Genome position (GRCh38, 1-based): chr1:205,064,349, C>T. VCF-style: chr1-205064349-C-T. GRCh37 (hg19) VCF-style: chr1-205033477-C-T.
Other names: c.1268C>T, p.Pro423Leu (NM_001346083.2); short protein forms P423L.
Identifiers: ClinVar variation 1896166 (VCV001896166.5), dbSNP rs2526381253, ClinGen allele CA344374730.